The following is an entry in ClinVar:

ClinVar aggregate classification (germline): Uncertain significance (1 of 4 stars; one submission).

Conditions:
Breast-ovarian cancer, familial, susceptibility to, 2 (BROVCA2). Also called: BRCA2 Hereditary Breast and Ovarian Cancer. Identifiers: Orphanet 145, MedGen C2675520, MONDO:0012933, OMIM 612555. Disease mechanism: loss of function.

gnomAD v4.1: 2 of 1,609,392 alleles (0.00012%); highest among the groups gnomAD compares: South Asian, 0.0022%; no homozygotes.

Submission:

Cancer Bioinformatics and Tumour Evolution Laboratory, Monash University
Classification: Uncertain significance for Breast-ovarian cancer, familial, susceptibility to, 2. Last evaluated: 2026-05-01. Review status: criteria provided, single submitter. Criteria: ClinGen BRCA1 and BRCA2 Guidelines, 2024. Collection method: curation. Allele origin: germline. Inheritance: Autosomal dominant inheritance.
Comment: The variant lies outside of a functional domain, but has a predicted splice impact according to SpliceAI: (Donor Loss score of 0.97 at 0 bp and Donor Gain score of 0.05 at -177 bp). Hence PP3 is applied. But with no literature evidece, the variant remains a VUS.

NM_000059.4(BRCA2):c.1909G>T (p.Gly637Cys)

Gene: BRCA2 (BRCA2 DNA repair associated; plus strand). Cytogenetic location: 13q13.1.
Variant type: single nucleotide variant.
Coding change: c.1909G>T on transcript NM_000059.4 (MANE Select); coding-DNA position 1909, G replaced by T.
Protein change: p.Gly637Cys; replaces glycine 637 with cysteine.
Molecular consequence: missense variant. On other transcripts: nonsense (1), non-coding transcript variant (1), intron variant (1).
Genome position (GRCh38, 1-based): chr13:32,333,387, G>T. VCF-style: chr13-32333387-G-T. GRCh37 (hg19) VCF-style: chr13-32907524-G-T.
Other names: c.1909G>T, p.Gly637Cys (NM_001406720.1, NM_001432077.1, NM_001406719.1); c.1909G>T, p.Gly637Ter (NM_001406721.1); c.424+2357G>T (NM_001406722.1); short protein forms G637*, G637C.
Identifiers: ClinVar variation 4856452 (VCV004856452.1).